The following is an entry in ClinVar:

ClinVar aggregate classification (germline): Uncertain significance (1 of 4 stars; one submission).

Submission:

Labcorp Genetics (formerly Invitae), Labcorp
Classification: Uncertain significance. Last evaluated: 2025-02-28. Review status: criteria provided, single submitter. Criteria: Invitae Variant Classification Sherloc (09022015). Collection method: clinical testing. Allele origin: germline.
Comment: This sequence change replaces glutamine, which is neutral and polar, with histidine, which is basic and polar, at codon 60 of the ARHGEF1 protein (p.Gln60His). This variant is not present in population databases (gnomAD no frequency). This variant has not been reported in the literature in individuals affected with ARHGEF1-related conditions. An algorithm developed to predict the effect of missense changes on protein structure and function (PolyPhen-2) suggests that this variant is likely to be disruptive. In summary, the available evidence is currently insufficient to determine the role of this variant in disease. Therefore, it has been classified as a Variant of Uncertain Significance.

NM_004706.4(ARHGEF1):c.135G>T (p.Gln45His)

Gene: ARHGEF1 (Rho guanine nucleotide exchange factor 1; plus strand). Cytogenetic location: 19q13.2.
Variant type: single nucleotide variant.
Coding change: c.135G>T on transcript NM_004706.4 (MANE Select); coding-DNA position 135, G replaced by T.
Protein change: p.Gln45His; replaces glutamine 45 with histidine.
Molecular consequence: missense variant. On other transcripts: non-coding transcript variant (2).
Genome position (GRCh38, 1-based): chr19:41,888,775, G>T. VCF-style: chr19-41888775-G-T. GRCh37 (hg19) VCF-style: chr19-42392846-G-T.
Other names: c.135G>T, p.Gln45His (NM_001396000.1, NM_001396002.1, NM_001396003.1 and 3 more transcripts); c.180G>T, p.Gln60His (NM_199002.2); short protein forms Q45H, Q60H.
Identifiers: ClinVar variation 4711491 (VCV004711491.1).